The following is an entry in ClinVar:

ClinVar aggregate classification (germline): Uncertain significance (1 of 4 stars; one submission).

Submission:

Labcorp Genetics (formerly Invitae), Labcorp
Classification: Uncertain significance. Last evaluated: 2025-12-24. Review status: criteria provided, single submitter. Criteria: Invitae Variant Classification Sherloc (09022015). Collection method: clinical testing. Allele origin: germline.
Comment: This sequence change replaces arginine, which is basic and polar, with histidine, which is basic and polar, at codon 82 of the COQ8B protein (p.Arg82His). This variant is present in population databases (no rsID available, gnomAD 0.006%). This missense change has been observed in individual(s) with clinical features of COQ8B-related conditions (PMID: 31785789, 33057194, 35982159). An algorithm developed to predict the effect of missense changes on protein structure and function (PolyPhen-2) suggests that this variant is likely to be tolerated. In summary, the available evidence is currently insufficient to determine the role of this variant in disease. Therefore, it has been classified as a Variant of Uncertain Significance.

Literature cited by the submitters: PubMed 31785789; PubMed 33057194; PubMed 35982159.

NM_024876.4(COQ8B):c.245G>A (p.Arg82His)

Gene: COQ8B (coenzyme Q8B; minus strand). Cytogenetic location: 19q13.2.
Variant type: single nucleotide variant.
Coding change: c.245G>A on transcript NM_024876.4 (MANE Select); coding-DNA position 245, G replaced by A.
Protein change: p.Arg82His; replaces arginine 82 with histidine.
Molecular consequence: missense variant.
Genome position (GRCh38, 1-based): chr19:40,714,111, C>T on the plus strand (G>A on the coding strand, the complement: COQ8B is on the minus strand). VCF-style: chr19-40714111-C-T. GRCh37 (hg19) VCF-style: chr19-41220016-C-T.
Other names: c.245G>A, p.Arg82His (NM_001142555.3); short protein forms R82H.
Identifiers: ClinVar variation 4798156 (VCV004798156.1).